The following is an entry in ClinVar:

ClinVar aggregate classification (germline): Uncertain significance (1 of 4 stars; one submission).

Conditions:
Bardet-Biedl syndrome (BBS). Identifiers: Orphanet 110, MedGen C0752166, MONDO:0015229.

gnomAD v4.1: 1 of 1,613,690 alleles (0.000062%); highest among the groups gnomAD compares: Non-Finnish European, 0.000085%; no homozygotes.

Submission:

Labcorp Genetics (formerly Invitae), Labcorp
Classification: Uncertain significance for Bardet-Biedl syndrome. Last evaluated: 2025-10-05. Review status: criteria provided, single submitter. Criteria: Invitae Variant Classification Sherloc (09022015). Collection method: clinical testing. Allele origin: germline.
Comment: This sequence change replaces serine, which is neutral and polar, with proline, which is neutral and non-polar, at codon 265 of the BBS2 protein (p.Ser265Pro). This variant is present in population databases (rs761634081, gnomAD 0.0009%). This missense change has been observed in individual(s) with clinical features of Bardet-Biedl syndrome (internal data). Invitae Evidence Modeling of protein sequence and biophysical properties (such as structural, functional, and spatial information, amino acid conservation, physicochemical variation, residue mobility, and thermodynamic stability) indicates that this missense variant is expected to disrupt BBS2 protein function with a positive predictive value of 80%. In summary, the available evidence is currently insufficient to determine the role of this variant in disease. Therefore, it has been classified as a Variant of Uncertain Significance.

NM_031885.5(BBS2):c.793T>C (p.Ser265Pro)

Gene: BBS2 (Bardet-Biedl syndrome 2; minus strand). Cytogenetic location: 16q13.
Variant type: single nucleotide variant.
Coding change: c.793T>C on transcript NM_031885.5 (MANE Select); coding-DNA position 793, T replaced by C.
Protein change: p.Ser265Pro; replaces serine 265 with proline.
Molecular consequence: missense variant. On other transcripts: non-coding transcript variant (5).
Genome position (GRCh38, 1-based): chr16:56,505,961, A>G on the plus strand (T>C on the coding strand, the complement: BBS2 is on the minus strand). VCF-style: chr16-56505961-A-G. GRCh37 (hg19) VCF-style: chr16-56539873-A-G.
Other names: c.793T>C, p.Ser265Pro (NM_001377456.1); short protein forms S265P.
Identifiers: ClinVar variation 4742286 (VCV004742286.1).